The following is an entry in ClinVar:

NM_020638.3(FGF23):c.292T>C (p.Phe98Leu)

Gene: FGF23 (fibroblast growth factor 23; minus strand). Cytogenetic location: 12p13.32.
Variant type: single nucleotide variant.
Coding change: c.292T>C on transcript NM_020638.3 (MANE Select); coding-DNA position 292, T replaced by C.
Protein change: p.Phe98Leu; replaces phenylalanine 98 with leucine.
Molecular consequence: missense variant.
Genome position (GRCh38, 1-based): chr12:4,372,617, A>G on the plus strand (T>C on the coding strand, the complement: FGF23 is on the minus strand). VCF-style: chr12-4372617-A-G. GRCh37 (hg19) VCF-style: chr12-4481783-A-G.
Other names: short protein forms F98L.
Identifiers: ClinVar variation 4710816 (VCV004710816.1).
Genomic context (GRCh38, chr12:4,372,617, plus strand): 5'-GTTTGCAAATGGTGACCAACACAAAAAAGAAACTCACTGATCCAAAAATGTTGCCTCTGA[A>G]ATCCATGCAGAGGTATCTTCTGCTCATCACACCTGTAATCACCACAAAGCCAGCATCCTC-3'
Protein context (NP_065689.1, residues 88-108): VMSRRYLCMD[Phe98Leu]RGNIFGSHYF

ClinVar aggregate classification (germline): Uncertain significance (1 of 4 stars; one submission).

Submission:

Labcorp Genetics (formerly Invitae), Labcorp
Classification: Uncertain significance. Last evaluated: 2025-02-26. Review status: criteria provided, single submitter. Criteria: Invitae Variant Classification Sherloc (09022015). Collection method: clinical testing. Allele origin: germline.
Comment: This sequence change replaces phenylalanine, which is neutral and non-polar, with leucine, which is neutral and non-polar, at codon 98 of the FGF23 protein (p.Phe98Leu). This variant is not present in population databases (gnomAD no frequency). This variant has not been reported in the literature in individuals affected with FGF23-related conditions. Invitae Evidence Modeling of protein sequence and biophysical properties (such as structural, functional, and spatial information, amino acid conservation, physicochemical variation, residue mobility, and thermodynamic stability) indicates that this missense variant is not expected to disrupt FGF23 protein function with a negative predictive value of 95%. In summary, the available evidence is currently insufficient to determine the role of this variant in disease. Therefore, it has been classified as a Variant of Uncertain Significance.